The following is an entry in ClinVar:

NM_007294.4(BRCA1):c.703A>C (p.Asn235His)

Gene: BRCA1 (BRCA1 DNA repair associated; minus strand). Cytogenetic location: 17q21.31.
Variant type: single nucleotide variant.
Coding change: c.703A>C on transcript NM_007294.4 (MANE Select); coding-DNA position 703, A replaced by C.
Protein change: p.Asn235His; replaces asparagine 235 with histidine.
Molecular consequence: missense variant. On other transcripts: 5 prime UTR variant (2), intron variant (13).
Genome position (GRCh38, 1-based): chr17:43,094,828, T>G on the plus strand (A>C on the coding strand, the complement: BRCA1 is on the minus strand). VCF-style: chr17-43094828-T-G. GRCh37 (hg19) VCF-style: chr17-41246845-T-G.
Other names: c.490A>C, p.Asn164His (NM_001407571.1, NM_001407853.1, NM_001407894.1 and 12 more transcripts); c.703A>C, p.Asn235His (NM_001407581.1, NM_001407582.1, NM_001407583.1 and 53 more transcripts); c.700A>C, p.Asn234His (NM_001407587.1, NM_001407590.1, NM_001407591.1 and 38 more transcripts); c.694A>C, p.Asn232His (NM_001407646.1, NM_001407647.1, NM_001408408.1); c.580A>C, p.Asn194His (NM_001407648.1, NM_001407664.1, NM_001407665.1 and 34 more transcripts); c.577A>C, p.Asn193His (NM_001407649.1, NM_001407670.1, NM_001407671.1 and 20 more transcripts); c.625A>C, p.Asn209His (NM_001407653.1, NM_001407654.1, NM_001407655.1 and 9 more transcripts); c.622A>C, p.Asn208His (NM_001407659.1, NM_001407660.1, NM_001407661.1 and 3 more transcripts); and 20 more; short protein forms N107H, N124H, N188H, N190H, N208H, N209H, N235H, N108H.
Identifiers: ClinVar variation 3261465 (VCV003261465.1).

ClinVar aggregate classification (germline): Uncertain significance (1 of 4 stars; one submission).

Conditions:
Hereditary cancer-predisposing syndrome. Also called: Hereditary Cancer Syndrome; Tumor predisposition; Hereditary neoplastic syndrome; Neoplastic Syndromes, Hereditary. Identifiers: Orphanet 140162, MedGen C0027672, MeSH D009386, MONDO:0015356.

gnomAD v4.1: 1 of 1,613,780 alleles (0.000062%); highest among the groups gnomAD compares: Non-Finnish European, 0.000085%; no homozygotes.

Submission:

Ambry Genetics
Classification: Uncertain significance for Hereditary cancer-predisposing syndrome. Last evaluated: 2024-04-26. Review status: criteria provided, single submitter. Criteria: Ambry Variant Classification Scheme 2023. Collection method: clinical testing. Allele origin: germline.
Comment: The p.N235H variant (also known as c.703A>C), located in coding exon 9 of the BRCA1 gene, results from an A to C substitution at nucleotide position 703. The asparagine at codon 235 is replaced by histidine, an amino acid with similar properties. This amino acid position is not well conserved in available vertebrate species. In addition, the in silico prediction for this alteration is inconclusive. Based on the available evidence, the clinical significance of this variant remains unclear.